The following is an entry in ClinVar:

ClinVar aggregate classification (germline): Pathogenic (1 of 4 stars; one submission).

Submission:

Labcorp Genetics (formerly Invitae), Labcorp
Classification: Pathogenic. Last evaluated: 2023-10-08. Review status: criteria provided, single submitter. Criteria: Invitae Variant Classification Sherloc (09022015). Collection method: clinical testing. Allele origin: germline.
Comment: This sequence change creates a premature translational stop signal (p.Phe445Leufs*41) in the GLE1 gene. It is expected to result in an absent or disrupted protein product. Loss-of-function variants in GLE1 are known to be pathogenic (PMID: 18204449, 24243016, 27684565). This variant is not present in population databases (gnomAD no frequency). This variant has not been reported in the literature in individuals affected with GLE1-related conditions. For these reasons, this variant has been classified as Pathogenic.

Literature cited by the submitters: PubMed 18204449; PubMed 24243016; PubMed 27684565.

NM_001003722.2(GLE1):c.1335del (p.Phe445fs)

Genes: GLE1 (GLE1 RNA export mediator; plus strand), LOC101929270 (uncharacterized LOC101929270; minus strand). Cytogenetic location: 9q34.11.
Variant type: Deletion.
Coding change: c.1335del on transcript NM_001003722.2 (MANE Select); coding-DNA position 1335, one base deleted (T; older notation c.1335delT).
Protein change: p.Phe445fs; shifts the reading frame from phenylalanine 445.
Molecular consequence: frameshift variant.
Genome position (GRCh38, 1-based): chr9:128,533,535, T deleted; the last of 3 consecutive T bases (chr9:128,533,533-128,533,535); deleting any one gives the same sequence. VCF-style (leftmost placement, unchanged base first): chr9-128533532-CT-C. GRCh37 (hg19) VCF-style: chr9-131295811-CT-C.
Other names: c.1362del, p.Phe454fs (NM_001411013.1); c.1335del, p.Phe445fs (NM_001499.2); short protein forms F445fs, F454fs.
Identifiers: ClinVar variation 2766856 (VCV002766856.3), dbSNP rs2540627297, ClinGen allele CA2697558061.